The following is an entry in ClinVar:

NM_000426.4(LAMA2):c.5969-5C>T

Gene: LAMA2 (laminin subunit alpha 2; plus strand). Cytogenetic location: 6q22.33.
Variant type: single nucleotide variant.
Coding change: c.5969-5C>T on transcript NM_000426.4 (MANE Select); 5 bases into the intron before coding-DNA position 5969, C replaced by T.
Molecular consequence: intron variant.
Genome position (GRCh38, 1-based): chr6:129,438,641, C>T. VCF-style: chr6-129438641-C-T. GRCh37 (hg19) VCF-style: chr6-129759786-C-T.
Other names: p.?; c.5969-5C>T (NM_001079823.2).
Identifiers: ClinVar variation 543882 (VCV000543882.20), dbSNP rs201853235, ClinGen allele CA3994070.

ClinVar aggregate classification (germline): Likely benign. Review status: criteria provided, multiple submitters, no conflicts (2 of 4 stars). 7 submissions from 7 submitters: Likely benign (5). 2 of the submissions do not count toward it. Last evaluated 2026-07-01.

Conditions:
LAMA2-related muscular dystrophy (LAMA2-RD). Also called: Laminin alpha 2-related dystrophy. Identifiers: MedGen C5679788, MONDO:0100228.

Allele frequency attached by ClinVar (database versions not stated): 1000 Genomes Project 30x 0.00016; ExAC 0.00019; 1000 Genomes Project 0.00020; gnomAD exomes 0.00024; ESP Exome Variant Server 0.00031; TOPMed 0.00054; gnomAD 0.00055 and 0.00061.
gnomAD v4.1: 444 of 1,466,316 alleles (0.03%); highest among the groups gnomAD compares: African/African-American, 0.13%; no homozygotes.

Submissions (7):

CeGaT Center for Human Genetics Tuebingen
Classification: Likely benign. Last evaluated: 2026-07-01. Review status: criteria provided, single submitter. Criteria: CeGaT Center For Human Genetics Tuebingen Variant Classification Criteria Version 2. Collection method: clinical testing. Allele origin: germline. Affected: yes. Observed: 1 variant allele.
Comment: LAMA2: BP4

Labcorp Genetics (formerly Invitae), Labcorp
Classification: Likely benign for LAMA2-related muscular dystrophy. Last evaluated: 2025-11-27. Review status: criteria provided, single submitter. Criteria: Invitae Variant Classification Sherloc (09022015). Collection method: clinical testing. Allele origin: germline.

Mayo Clinic Laboratories, Mayo Clinic
Classification: Likely benign. Last evaluated: 2024-12-16. Review status: criteria provided, single submitter. Criteria: ACMG Guidelines, 2015. Collection method: clinical testing. Allele origin: germline. Observed: 4 variant alleles.
Comment: BP4, BP7

Blueprint Genetics
Classification: Likely benign. Last evaluated: 2024-08-21. Review status: criteria provided, single submitter. Criteria: ACMG Guidelines, 2015. Collection method: clinical testing. Allele origin: germline.

GeneDx
Classification: Likely benign. Last evaluated: 2021-03-04. Review status: criteria provided, single submitter. Criteria: GeneDx Variant Classification Process June 2021. Collection method: clinical testing. Allele origin: germline. Affected: yes.

Diagnostic Laboratory, Department of Genetics, University Medical Center Groningen
Classification: Likely benign. Review status: no assertion criteria provided. Collection method: clinical testing. Allele origin: germline. Affected: yes. Study: VKGL Data-share Consensus. Not counted in ClinVar's aggregate classification.

Joint Genome Diagnostic Labs from Nijmegen and Maastricht, Radboudumc and MUMC+
Classification: Likely benign. Review status: no assertion criteria provided. Collection method: clinical testing. Allele origin: germline. Affected: yes. Study: VKGL Data-share Consensus. Not counted in ClinVar's aggregate classification.